The following is an entry in ClinVar:

NM_206933.4(USH2A):c.8819_8832del (p.Ala2940fs)

Gene: USH2A (usherin; minus strand). Cytogenetic location: 1q41.
Variant type: Deletion.
Coding change: c.8819_8832del on transcript NM_206933.4 (MANE Select); coding-DNA positions 8819 to 8832, 14 bases deleted (CCATCGACGTGAGG).
Protein change: p.Ala2940fs; shifts the reading frame from alanine 2940.
Molecular consequence: frameshift variant.
Genome position (GRCh38, 1-based): chr1:215,867,020-215,867,033, CCTCACGTCGATGG deleted on the plus strand (CCATCGACGTGAGG on the coding strand, the reverse complement: USH2A is on the minus strand); deleting any 14 consecutive bases within chr1:215,867,020-215,867,034 gives the same sequence; the c. name uses the placement nearest the transcript's 3' end. VCF-style (leftmost placement, unchanged base first): chr1-215867019-ACCTCACGTCGATGG-A. GRCh37 (hg19) VCF-style: chr1-216040361-ACCTCACGTCGATGG-A.
Other names: short protein forms A2940fs.
Identifiers: ClinVar variation 5004729 (VCV005004729.1).

ClinVar aggregate classification (germline): Pathogenic (1 of 4 stars; one submission).

Conditions:
USH2A-related disorder. Also called: USH2A-related condition; USH2A-related disorders. Identifiers: MedGen CN239332.

Submission:

Myriad Genetics, Inc.
Classification: Pathogenic for USH2A-related disorder. Last evaluated: 2026-06-12. Review status: criteria provided, single submitter. Criteria: Myriad Autosomal Dominant, Autosomal Recessive and X-Linked Classification Criteria (2023). Collection method: clinical testing. Allele origin: unknown.
Comment: NM_206933.2(USH2A):c.8819_8832del14(A2940Vfs*3) is a frameshift variant classified as pathogenic in the context of USH2A-related disorders. A2940Vfs*3 has not been observed in cases with relevant disease. Relevant functional assessments of this variant are not available in the literature. A2940Vfs*3 has not been observed in referenced population frequency databases. In summary, NM_206933.2(USH2A):c.8819_8832del14(A2940Vfs*3) is a frameshift variant in a gene where loss of function is a known mechanism of disease and is predicted to disrupt protein function. Please note: this variant was assessed in the context of healthy population screening.